The following is an entry in ClinVar:

NM_000252.3(MTM1):c.136+17A>G

Gene: MTM1 (myotubularin 1; plus strand). Cytogenetic location: Xq28.
Variant type: single nucleotide variant.
Coding change: c.136+17A>G on transcript NM_000252.3 (MANE Select); 17 bases into the intron after coding-DNA position 136, A replaced by G.
Molecular consequence: intron variant.
Genome position (GRCh38, 1-based): chrX:150,596,587, A>G. VCF-style: chrX-150596587-A-G. GRCh37 (hg19) VCF-style: chrX-149765051-A-G.
Other names: c.136+17A>G (NM_001376908.1, NM_001376906.1, NM_001376907.1).
Identifiers: ClinVar variation 506700 (VCV000506700.11), dbSNP rs142891103, ClinGen allele CA10539045.
Genomic context (GRCh38, chrX:150,596,587, plus strand): 5'-CACTGAGGCTGTTCCTCGACTTCCAGGAGAAACACTAATCACTGGTAAGGACCTGCTGAC[A>G]TAAGATTTGCATAACTTGAGGAGAAGTCTGGCAGGATCAGGTGGCTTCAGTCCCGCTTAC-3'

ClinVar aggregate classification (germline): Benign/Likely benign. Review status: criteria provided, multiple submitters, no conflicts (2 of 4 stars). 3 submissions from 3 submitters: Benign (2); Likely benign (1). Last evaluated 2026-01-31.

Conditions:
Severe X-linked myotubular myopathy (CNMX). Also called: MYOTUBULAR MYOPATHY 1; X-linked centronuclear myopathy; Myotubular myopathy, X-linked. Identifiers: Orphanet 596, MedGen C0410203, MONDO:0010683, OMIM 310400.

Allele frequency attached by ClinVar (database versions not stated): 1000 Genomes Project 0.00556; gnomAD 0.00611 and 0.00648; TOPMed 0.00749; ESP Exome Variant Server 0.00833; gnomAD exomes 0.00187; ExAC 0.00221; 1000 Genomes Project 30x 0.00499.

Submissions (4):

Labcorp Genetics (formerly Invitae), Labcorp
Classification: Benign for Severe X-linked myotubular myopathy. Last evaluated: 2026-01-31. Review status: criteria provided, single submitter. Criteria: Invitae Variant Classification Sherloc (09022015). Collection method: clinical testing. Allele origin: germline.

Blueprint Genetics
Classification: Likely benign. Last evaluated: 2023-10-04. Review status: criteria provided, single submitter. Criteria: ACMG Guidelines, 2015. Collection method: clinical testing. Allele origin: germline.

GeneDx
Classification: Benign. Last evaluated: 2017-02-21. Review status: criteria provided, single submitter. Criteria: GeneDx Variant Classification (06012015). Collection method: clinical testing. Allele origin: germline. Affected: yes.
Comment: This variant is considered likely benign or benign based on one or more of the following criteria: it is a conservative change, it occurs at a poorly conserved position in the protein, it is predicted to be benign by multiple in silico algorithms, and/or has population frequency not consistent with disease.

Dr. Peter K. Rogan Lab, Western University
No classification provided (evidence only). Condition: Ovarian serous cystadenocarcinoma. Review status: no classification provided. Collection method: in vitro. Allele origin: not applicable. Functional consequence: retained intron. Not counted in ClinVar's aggregate classification.